The following is an entry in ClinVar:

ClinVar aggregate classification (germline): Pathogenic (1 of 4 stars; one submission).

Submission:

Labcorp Genetics (formerly Invitae), Labcorp
Classification: Pathogenic. Last evaluated: 2021-08-28. Review status: criteria provided, single submitter. Criteria: Invitae Variant Classification Sherloc (09022015). Collection method: clinical testing. Allele origin: germline.
Comment: This sequence change creates a premature translational stop signal (p.Glu573Leufs*14) in the CLCN4 gene. It is expected to result in an absent or disrupted protein product. Loss-of-function variants in CLCN4 are known to be pathogenic (PMID: 27550844). This variant is not present in population databases (ExAC no frequency). This variant has not been reported in the literature in individuals affected with CLCN4-related conditions. For these reasons, this variant has been classified as Pathogenic.

Literature cited by the submitters: PubMed 27550844.

NM_001830.4(CLCN4):c.1712_1715dup (p.Glu573fs)

Gene: CLCN4 (chloride voltage-gated channel 4; plus strand). Cytogenetic location: Xp22.2.
Variant type: Duplication.
Coding change: c.1712_1715dup on transcript NM_001830.4 (MANE Select); coding-DNA positions 1712 to 1715, 4 bases duplicated (TCTA; older notation c.1712_1715dupTCTA).
Protein change: p.Glu573fs; shifts the reading frame from glutamic acid 573.
Molecular consequence: frameshift variant.
Genome position (GRCh38, 1-based): chrX:10,213,816-10,213,819, TCTA duplicated; duplicating any 4 consecutive bases within chrX:10,213,815-10,213,819 gives the same sequence; the c. name uses the placement nearest the transcript's 3' end. VCF-style (leftmost placement, unchanged base first): chrX-10213814-C-CATCT. GRCh37 (hg19) VCF-style: chrX-10181854-C-CATCT.
Other names: c.1430_1433dup, p.Glu479fs (NM_001256944.2); short protein forms E479fs, E573fs.
Identifiers: ClinVar variation 1439217 (VCV001439217.6), dbSNP rs2147183746, ClinGen allele CA2573158374.